The following is an entry in ClinVar:

ClinVar aggregate classification (germline): Uncertain significance. Review status: criteria provided, multiple submitters, no conflicts (2 of 4 stars). 2 submissions from 2 submitters: Uncertain significance (2). Last evaluated 2025-11-09.

Conditions:
Baller-Gerold syndrome (BGS). Also called: CRANIOSYNOSTOSIS WITH RADIAL DEFECTS. Identifiers: Orphanet 1225, MedGen C0265308, MONDO:0009039, OMIM 218600.
Inborn genetic diseases. Identifiers: MedGen C0950123, MeSH D030342.

Allele frequency attached by ClinVar (database versions not stated): gnomAD 0.00002; TOPMed 0.00002; gnomAD exomes 0.00004.
gnomAD v4.1: 30 of 1,583,836 alleles (0.0019%); highest among the groups gnomAD compares: African/African-American, 0.0054%; no homozygotes.

Submissions (2):

Labcorp Genetics (formerly Invitae), Labcorp
Classification: Uncertain significance for Baller-Gerold syndrome. Last evaluated: 2025-11-09. Review status: criteria provided, single submitter. Criteria: Invitae Variant Classification Sherloc (09022015). Collection method: clinical testing. Allele origin: germline.
Comment: This sequence change replaces arginine, which is basic and polar, with cysteine, which is neutral and slightly polar, at codon 710 of the RECQL4 protein (p.Arg710Cys). The frequency data for this variant in the population databases is considered unreliable, as metrics indicate poor data quality at this position in the gnomAD database. This variant has not been reported in the literature in individuals affected with RECQL4-related conditions. ClinVar contains an entry for this variant (Variation ID: 529034). Invitae Evidence Modeling of protein sequence and biophysical properties (such as structural, functional, and spatial information, amino acid conservation, physicochemical variation, residue mobility, and thermodynamic stability) indicates that this missense variant is expected to disrupt RECQL4 protein function with a positive predictive value of 80%. In summary, the available evidence is currently insufficient to determine the role of this variant in disease. Therefore, it has been classified as a Variant of Uncertain Significance.

Ambry Genetics
Classification: Uncertain significance for Inborn genetic diseases. Last evaluated: 2024-07-05. Review status: criteria provided, single submitter. Criteria: Ambry Variant Classification Scheme 2023. Collection method: clinical testing. Allele origin: germline.

NM_004260.4(RECQL4):c.2128C>T (p.Arg710Cys)

Gene: RECQL4 (RecQ like helicase 4; minus strand). Cytogenetic location: 8q24.3.
Variant type: single nucleotide variant.
Coding change: c.2128C>T on transcript NM_004260.4 (MANE Select); coding-DNA position 2128, C replaced by T.
Protein change: p.Arg710Cys; replaces arginine 710 with cysteine.
Molecular consequence: missense variant.
Genome position (GRCh38, 1-based): chr8:144,513,643, G>A on the plus strand (C>T on the coding strand, the complement: RECQL4 is on the minus strand). VCF-style: chr8-144513643-G-A. GRCh37 (hg19) VCF-style: chr8-145739027-G-A.
Other names: short protein forms R710C.
Identifiers: ClinVar variation 529034 (VCV000529034.9), dbSNP rs750126506, ClinGen allele CA4948459.
Genomic context (GRCh38, chr8:144,513,643, plus strand): 5'-GGACCCAGGCTGCGTGCAGGCAGGTTCGGAGGAGCGCAGCGATCCGCTCTGTGTCCTCGC[G>A]CCGGTTGCAGTAAATGATAATGGAATCGAGGTTTTGAAAACGTTTGCCTTGCAGCAGCGT-3'
Protein context (NP_004251.4, residues 700-720): LDSIIIYCNR[Arg710Cys]EDTERIAALL